The following is an entry in ClinVar:

NM_201384.3(PLEC):c.12334C>T (p.Pro4112Ser)

Gene: PLEC (plectin; minus strand). Cytogenetic location: 8q24.3.
Variant type: single nucleotide variant.
Coding change: c.12334C>T on transcript NM_201384.3 (MANE Select); coding-DNA position 12334, C replaced by T.
Protein change: p.Pro4112Ser; replaces proline 4112 with serine.
Molecular consequence: missense variant.
Genome position (GRCh38, 1-based): chr8:143,917,487, G>A on the plus strand (C>T on the coding strand, the complement: PLEC is on the minus strand). VCF-style: chr8-143917487-G-A. GRCh37 (hg19) VCF-style: chr8-144991655-G-A.
Other names: c.12415C>T, p.Pro4139Ser (NM_000445.5); c.9034C>T, p.Pro3012Ser (NM_001410941.1); c.12292C>T, p.Pro4098Ser (NM_201378.4); c.12268C>T, p.Pro4090Ser (NM_201379.3); c.12745C>T, p.Pro4249Ser (NM_201380.4); c.12238C>T, p.Pro4080Ser (NM_201381.3); c.12334C>T, p.Pro4112Ser (NM_201382.4); c.12346C>T, p.Pro4116Ser (NM_201383.3); short protein forms P3012S, P4098S, P4116S, P4090S, P4112S, P4249S, P4080S, P4139S.
Identifiers: ClinVar variation 2924991 (VCV002924991.3), dbSNP rs781940210, ClinGen allele CA4924118.

ClinVar aggregate classification (germline): Uncertain significance (1 of 4 stars; one submission).

Conditions:
Epidermolysis bullosa simplex with nail dystrophy (EBS5D). Identifiers: MedGen C4225309, MONDO:0014661, OMIM 616487.
Epidermolysis bullosa simplex, Ogna type (EBS5A). Also called: EPIDERMOLYSIS BULLOSA SIMPLEX 5A, OGNA TYPE; Pidermolysis bullosa simplex 5A, Ogna type. Identifiers: Orphanet 79401, MedGen C0432317, MONDO:0007555, OMIM 131950.
Epidermolysis bullosa simplex 5C, with pyloric atresia (EBS5C). Also called: PLEC1-Related Epidermolysis Bullosa with Pyloric Atresia; PLEC-Related Epidermolysis Bullosa with Pyloric Atresia; Epidermolysis bullosa simplex with pyloric atresia. Identifiers: Orphanet 158684, MedGen C2677349, MONDO:0012807, OMIM 612138.
Autosomal recessive limb-girdle muscular dystrophy type 2Q (LGMDR17). Also called: MUSCULAR DYSTROPHY, LIMB-GIRDLE, AUTOSOMAL RECESSIVE 17. Identifiers: Orphanet 254361, MedGen C3150989, MONDO:0013390, OMIM 613723.
Epidermolysis bullosa simplex 5B, with muscular dystrophy (EBS5B). Also called: EPIDERMOLYSIS BULLOSA SIMPLEX AND LIMB-GIRDLE MUSCULAR DYSTROPHY; Epidermolysis bullosa simplex with muscular dystrophy. Identifiers: Orphanet 257, MedGen C2931072, MONDO:0009181, OMIM 226670.

Allele frequency attached by ClinVar (database versions not stated): TOPMed below 0.00001; ExAC 0.00001; gnomAD 0.00001.
gnomAD v4.1: 4 of 1,613,754 alleles (0.00025%); highest among the groups gnomAD compares: Admixed American, 0.005%; no homozygotes.

Submission:

Labcorp Genetics (formerly Invitae), Labcorp
Classification: Uncertain significance for Autosomal recessive limb-girdle muscular dystrophy type 2Q; Epidermolysis bullosa simplex, Ogna type; Epidermolysis bullosa simplex with nail dystrophy; Epidermolysis bullosa simplex 5C, with pyloric atresia; Epidermolysis bullosa simplex 5B, with muscular dystrophy. Last evaluated: 2023-10-23. Review status: criteria provided, single submitter. Criteria: Invitae Variant Classification Sherloc (09022015). Collection method: clinical testing. Allele origin: germline.
Comment: This sequence change replaces proline, which is neutral and non-polar, with serine, which is neutral and polar, at codon 4139 of the PLEC protein (p.Pro4139Ser). This variant is present in population databases (rs781940210, gnomAD 0.006%). This variant has not been reported in the literature in individuals affected with PLEC-related conditions. Advanced modeling of protein sequence and biophysical properties (such as structural, functional, and spatial information, amino acid conservation, physicochemical variation, residue mobility, and thermodynamic stability) performed at Invitae indicates that this missense variant is not expected to disrupt PLEC protein function with a negative predictive value of 80%. In summary, the available evidence is currently insufficient to determine the role of this variant in disease. Therefore, it has been classified as a Variant of Uncertain Significance.